The following is an entry in ClinVar:

ClinVar aggregate classification (germline): Uncertain significance. Review status: criteria provided, multiple submitters, no conflicts (2 of 4 stars). 3 submissions from 3 submitters: Uncertain significance (2). 1 of the submissions does not count toward it. Last evaluated 2024-09-16.

Conditions:
Familial long QT syndrome (RWS). Also called: Congenital long QT syndrome; Romano-Ward syndrome; VENTRICULAR FIBRILLATION WITH PROLONGED QT INTERVAL. Identifiers: Orphanet 768, MedGen C1141890, MONDO:0019171.
Long QT syndrome (LQTS). Identifiers: MedGen C0023976, MeSH D008133, MONDO:0002442. Disease mechanism: loss of function. Inheritance: Various modes of inheritance.

Submissions (3):

GeneDx
Classification: Uncertain significance. Last evaluated: 2024-09-16. Review status: criteria provided, single submitter. Criteria: GeneDx Variant Classification Process June 2021. Collection method: clinical testing. Allele origin: germline. Affected: yes.
Comment: Identified in patients with LQTS referred for genetic testing at GeneDx and in published literature (PMID: 9693036, 15840476, 17470695, 19841300, 22949429, 31737537); Not observed at significant frequency in large population cohorts (gnomAD); Published functional studies in Chinese hamster oocytes demonstrated that homozygous expression of p.(L353P) results in impaired channel function, with no data provided about the effect of this variant in the heterozygous state (PMID: 17932138); In silico analysis supports that this missense variant has a deleterious effect on protein structure/function; This variant is associated with the following publications: (PMID: 22949429, 15840476, 19841300, 17470695, 9693036, 31737537, 17932138)

Labcorp Genetics (formerly Invitae), Labcorp
Classification: Uncertain significance for Long QT syndrome. Last evaluated: 2022-01-06. Review status: criteria provided, single submitter. Criteria: Invitae Variant Classification Sherloc (09022015). Collection method: clinical testing. Allele origin: germline.
Comment: Algorithms developed to predict the effect of missense changes on protein structure and function (SIFT, PolyPhen-2, Align-GVGD) all suggest that this variant is likely to be disruptive. In summary, the available evidence is currently insufficient to determine the role of this variant in disease. Therefore, it has been classified as a Variant of Uncertain Significance. Experimental studies have shown that this missense change affects KCNQ1 function (PMID: 17932138). ClinVar contains an entry for this variant (Variation ID: 52945). This missense change has been observed in individual(s) with long QT syndrome (PMID: 9693036, 22949429, 31737537). This variant is not present in population databases (gnomAD no frequency). This sequence change replaces leucine, which is neutral and non-polar, with proline, which is neutral and non-polar, at codon 353 of the KCNQ1 protein (p.Leu353Pro).

Cardiovascular Biomedical Research Unit, Royal Brompton & Harefield NHS Foundation Trust
No classification provided. Condition: Familial long QT syndrome. Review status: no classification provided. Collection method: literature only. Allele origin: germline. Not counted in ClinVar's aggregate classification.
Comment: This variant has been reported as associated with Long QT syndrome in the following publications (PMID:9693036;PMID:15840476;PMID:19841300;PMID:17470695). This is a literature report, and does not necessarily reflect the clinical interpretation of the Imperial College / Royal Brompton Cardiovascular Genetics laboratory.

Literature cited by the submitters: PubMed 17932138 (cited by Labcorp Genetics (formerly Invitae), Labcorp); PubMed 9693036 (cited by Labcorp Genetics (formerly Invitae), Labcorp and Cardiovascular Biomedical Research Unit, Royal Brompton & Harefield NHS Foundation Trust); PubMed 22949429 (cited by Labcorp Genetics (formerly Invitae), Labcorp); PubMed 31737537 (cited by Labcorp Genetics (formerly Invitae), Labcorp); PubMed 15840476 (cited by Cardiovascular Biomedical Research Unit, Royal Brompton & Harefield NHS Foundation Trust); PubMed 19841300 (cited by Cardiovascular Biomedical Research Unit, Royal Brompton & Harefield NHS Foundation Trust); PubMed 17470695 (cited by Cardiovascular Biomedical Research Unit, Royal Brompton & Harefield NHS Foundation Trust); PubMed 22581653 (cited by Cardiovascular Biomedical Research Unit, Royal Brompton & Harefield NHS Foundation Trust).

NM_000218.3(KCNQ1):c.1058T>C (p.Leu353Pro)

Gene: KCNQ1 (potassium voltage-gated channel subfamily Q member 1; plus strand). Cytogenetic location: 11p15.5.
Variant type: single nucleotide variant.
Coding change: c.1058T>C on transcript NM_000218.3 (MANE Select); coding-DNA position 1058, T replaced by C.
Protein change: p.Leu353Pro; replaces leucine 353 with proline.
Molecular consequence: missense variant.
Genome position (GRCh38, 1-based): chr11:2,585,237, T>C. VCF-style: chr11-2585237-T-C. GRCh37 (hg19) VCF-style: chr11-2606467-T-C.
Other names: p.L353P:CTG>CCG; c.1058T>C (LRG_287t1); c.788T>C, p.Leu263Pro (NM_001406837.1); c.677T>C, p.Leu226Pro (NM_181798.2); short protein forms L353P, L226P, L263P.
Identifiers: ClinVar variation 52945 (VCV000052945.12), dbSNP rs199473403, ClinGen allele CA005117.
Genomic context (GRCh38, chr11:2,585,237, plus strand): 5'-GTGTGGACGGGAGCCTCCTGTCCATTCCTTCCCAGGGGATTCTTGGCTCGGGGTTTGCCC[T>C]GAAGGTGCAGCAGAAGCAGAGGCAGAAGCACTTCAACCGGCAGATCCCGGCGGCAGCCTC-3'
Protein context (NP_000209.2, residues 343-363): PAGILGSGFA[Leu353Pro]KVQQKQRQKH